The following is an entry in ClinVar:

ClinVar aggregate classification (germline): Uncertain significance. Review status: criteria provided, multiple submitters, no conflicts (2 of 4 stars). 2 submissions from 2 submitters: Uncertain significance (2). Last evaluated 2026-01-07.

Conditions:
Gastrointestinal stromal tumor. Also called: Gastrointestinal stroma tumor; Gastrointestinal stromal tumor, somatic. Identifiers: Orphanet 44890, MedGen C0238198, MeSH D046152, MONDO:0011719, OMIM 606764, HP:0100723.
Acute myeloid leukemia (AML). Also called: Leukemia, acute myeloid, somatic; Leukemia, acute myelogenous, somatic; Acute myeloid leukemia, adult; AML adult; Acute non-lymphocytic leukemia; Acute granulocytic leukemia. Identifiers: Orphanet 519, MedGen C0023467, MeSH D015470, MONDO:0018874, OMIM 601626, HP:0004808. Disease mechanism: Constitutively activated FLT3.
Germ cell tumor of testis (TGCT). Also called: Testicular germ cell tumor; GERM CELL TUMOR, SOMATIC. Identifiers: Orphanet 363504, MedGen C1336708, MONDO:0010108, OMIM 273300.
Piebaldism. Also called: Piebald skin depigmentation. Identifiers: Orphanet 2884, MedGen C0080024, MONDO:0008244, OMIM 172800, HP:0007544.
Cutaneous mastocytosis. Also called: MASTOCYTOSIS, MACULOPAPULAR CUTANEOUS. Identifiers: Orphanet 66646, MedGen C1136033, MONDO:0019023, OMIM 154800, HP:0200151.

Submissions (2):

Labcorp Genetics (formerly Invitae), Labcorp
Classification: Uncertain significance for Gastrointestinal stromal tumor. Last evaluated: 2026-01-07. Review status: criteria provided, single submitter. Criteria: Invitae Variant Classification Sherloc (09022015). Collection method: clinical testing. Allele origin: germline.
Comment: This sequence change falls in intron 1 of the KIT gene. It does not directly change the encoded amino acid sequence of the KIT protein. It affects a nucleotide within the consensus splice site. This variant is not present in population databases (gnomAD no frequency). This variant has not been reported in the literature in individuals affected with KIT-related conditions. ClinVar contains an entry for this variant (Variation ID: 528626). Variants that disrupt the consensus splice site are a relatively common cause of aberrant splicing (PMID: 17576681, 9536098). Algorithms developed to predict the effect of sequence changes on RNA splicing suggest that this variant may disrupt the consensus splice site. In summary, the available evidence is currently insufficient to determine the role of this variant in disease. Therefore, it has been classified as a Variant of Uncertain Significance.

Fulgent Genetics
Classification: Uncertain significance for Cutaneous mastocytosis; Piebaldism; Germ cell tumor of testis; Acute myeloid leukemia; Gastrointestinal stromal tumor. Last evaluated: 2024-01-22. Review status: criteria provided, single submitter. Criteria: ACMG Guidelines, 2015. Collection method: clinical testing. Allele origin: germline.

Literature cited by the submitters: PubMed 17576681 (cited by Labcorp Genetics (formerly Invitae), Labcorp); PubMed 9536098 (cited by Labcorp Genetics (formerly Invitae), Labcorp).

NM_000222.3(KIT):c.67+5G>T

Gene: KIT (KIT proto-oncogene, receptor tyrosine kinase; plus strand). Cytogenetic location: 4q12.
Variant type: single nucleotide variant.
Coding change: c.67+5G>T on transcript NM_000222.3 (MANE Select); 5 bases into the intron after coding-DNA position 67, G replaced by T.
Molecular consequence: intron variant.
Genome position (GRCh38, 1-based): chr4:54,658,086, G>T. VCF-style: chr4-54658086-G-T. GRCh37 (hg19) VCF-style: chr4-55524253-G-T.
Other names: c.67+5G>T (NM_001385284.1, NM_001385290.1, NM_001385288.1 and 4 more transcripts).
Identifiers: ClinVar variation 528626 (VCV000528626.10), dbSNP rs1553881794, ClinGen allele CA658796438.